The following is an entry in ClinVar:

ClinVar aggregate classification (germline): Uncertain significance (1 of 4 stars; one submission).

Conditions:
Baller-Gerold syndrome (BGS). Also called: CRANIOSYNOSTOSIS WITH RADIAL DEFECTS. Identifiers: Orphanet 1225, MedGen C0265308, MONDO:0009039, OMIM 218600.

Allele frequency attached by ClinVar (database versions not stated): TOPMed below 0.00001.

Submission:

Labcorp Genetics (formerly Invitae), Labcorp
Classification: Uncertain significance for Baller-Gerold syndrome. Last evaluated: 2024-04-10. Review status: criteria provided, single submitter. Criteria: Invitae Variant Classification Sherloc (09022015). Collection method: clinical testing. Allele origin: germline.
Comment: This sequence change replaces proline, which is neutral and non-polar, with arginine, which is basic and polar, at codon 26 of the RECQL4 protein (p.Pro26Arg). This variant is not present in population databases (gnomAD no frequency). This variant has not been reported in the literature in individuals affected with RECQL4-related conditions. ClinVar contains an entry for this variant (Variation ID: 949807). Experimental studies and prediction algorithms are not available or were not evaluated, and the functional significance of this variant is currently unknown. In summary, the available evidence is currently insufficient to determine the role of this variant in disease. Therefore, it has been classified as a Variant of Uncertain Significance.

NM_004260.4(RECQL4):c.77C>G (p.Pro26Arg)

Genes: RECQL4 (RecQ like helicase 4; minus strand), LOC130001411 (ATAC-STARR-seq lymphoblastoid silent region 19699; plus strand). Cytogenetic location: 8q24.3.
Variant type: single nucleotide variant.
Coding change: c.77C>G on transcript NM_004260.4 (MANE Select); coding-DNA position 77, C replaced by G.
Protein change: p.Pro26Arg; replaces proline 26 with arginine.
Molecular consequence: missense variant.
Genome position (GRCh38, 1-based): chr8:144,517,708, G>C on the plus strand (C>G on the coding strand, the complement: RECQL4 is on the minus strand). VCF-style: chr8-144517708-G-C. GRCh37 (hg19) VCF-style: chr8-145743092-G-C.
Other names: short protein forms P26R.
Identifiers: ClinVar variation 949807 (VCV000949807.6), dbSNP rs1815427295, ClinGen allele CA372693643.